The following is an entry in ClinVar:

NM_020435.4(GJC2):c.550G>A (p.Ala184Thr)

Gene: GJC2 (gap junction protein gamma 2; plus strand). Cytogenetic location: 1q42.13.
Variant type: single nucleotide variant.
Coding change: c.550G>A on transcript NM_020435.4 (MANE Select); coding-DNA position 550, G replaced by A.
Protein change: p.Ala184Thr; replaces alanine 184 with threonine.
Molecular consequence: missense variant.
Genome position (GRCh38, 1-based): chr1:228,158,308, G>A. VCF-style: chr1-228158308-G-A. GRCh37 (hg19) VCF-style: chr1-228346009-G-A.
Other names: c.550G>A (NM_020435.3); short protein forms A184T.
Identifiers: ClinVar variation 994313 (VCV000994313.17), dbSNP rs758277909, ClinGen allele CA1430875.
Genomic context (GRCh38, chr1:228,158,308, plus strand): 5'-GGCGCCGGCGAGGAAGCGGAGGAGGCAGGCGCGGAGGAGGCGTGCACTAAGGCGGTCGGC[G>A]CTGACGGCAAGGCGGCAGGGACCCCGGGCCCGACCGGGCAACACGATGGGCGGAGGCGCA-3'
Protein context (NP_065168.2, residues 174-194): AEEACTKAVG[Ala184Thr]DGKAAGTPGP

ClinVar aggregate classification (germline): Uncertain significance. Review status: criteria provided, multiple submitters, no conflicts (2 of 4 stars). 4 submissions from 4 submitters: Uncertain significance (4). Last evaluated 2025-02-08.

Conditions:
Inborn genetic diseases. Identifiers: MedGen C0950123, MeSH D030342.
Spastic paraplegia. Identifiers: MedGen C0037772, HP:0001258.

Allele frequency attached by ClinVar (database versions not stated): gnomAD exomes 0.00001 and 0.00002; gnomAD 0.00002; TOPMed 0.00002; ExAC 0.00007.
gnomAD v4.1: 33 of 1,547,392 alleles (0.0021%); highest among the groups gnomAD compares: Non-Finnish European, 0.0026%; no homozygotes.

Submissions (4):

Ambry Genetics
Classification: Uncertain significance for Inborn genetic diseases. Last evaluated: 2025-02-08. Review status: criteria provided, single submitter. Criteria: Ambry Variant Classification Scheme 2023. Collection method: clinical testing. Allele origin: germline.

Women's Health and Genetics/Laboratory Corporation of America, LabCorp
Classification: Uncertain significance. Last evaluated: 2024-02-12. Review status: criteria provided, single submitter. Criteria: LabCorp Variant Classification Summary - May 2015. Collection method: clinical testing. Allele origin: germline.
Comment: Variant summary: GJC2 c.550G>A (p.Ala184Thr) results in a non-conservative amino acid change located in the Connexin, N-terminal (IPR013092) of the encoded protein sequence. Three of five in-silico tools predict a benign effect of the variant on protein function. The variant allele was found at a frequency of 6.5e-06 in 152998 control chromosomes. The available data on variant occurrences in the general population are insufficient to allow any conclusion about variant significance. To our knowledge, no occurrence of c.550G>A in individuals affected with Hypomyelinating Leukodystrophy 2 and no experimental evidence demonstrating its impact on protein function have been reported. ClinVar contains an entry for this variant (Variation ID: 994313). Based on the evidence outlined above, the variant was classified as uncertain significance.

Labcorp Genetics (formerly Invitae), Labcorp
Classification: Uncertain significance for Spastic paraplegia. Last evaluated: 2023-10-03. Review status: criteria provided, single submitter. Criteria: Invitae Variant Classification Sherloc (09022015). Collection method: clinical testing. Allele origin: germline.
Comment: This sequence change replaces alanine, which is neutral and non-polar, with threonine, which is neutral and polar, at codon 184 of the GJC2 protein (p.Ala184Thr). The frequency data for this variant in the population databases is considered unreliable, as metrics indicate poor data quality at this position in the gnomAD database. This variant has not been reported in the literature in individuals affected with GJC2-related conditions. ClinVar contains an entry for this variant (Variation ID: 994313). Advanced modeling of protein sequence and biophysical properties (such as structural, functional, and spatial information, amino acid conservation, physicochemical variation, residue mobility, and thermodynamic stability) has been performed at Invitae for this missense variant, however the output from this modeling did not meet the statistical confidence thresholds required to predict the impact of this variant on GJC2 protein function. In summary, the available evidence is currently insufficient to determine the role of this variant in disease. Therefore, it has been classified as a Variant of Uncertain Significance.

ARUP Laboratories, Molecular Genetics and Genomics, ARUP Laboratories
Classification: Uncertain significance. Last evaluated: 2020-04-30. Review status: criteria provided, single submitter. Criteria: ARUP Molecular Germline Variant Investigation Process. Collection method: clinical testing. Allele origin: germline.